The following is an entry in ClinVar:

NM_001378964.1(CDON):c.2773+1G>T

Gene: CDON (cell adhesion associated, oncogene regulated; minus strand). Cytogenetic location: 11q24.2.
Variant type: single nucleotide variant.
Coding change: c.2773+1G>T on transcript NM_001378964.1 (MANE Select); the canonical splice donor site of the intron after coding-DNA position 2773, G replaced by T.
Molecular consequence: splice donor variant.
Genome position (GRCh38, 1-based): chr11:125,989,636, C>A on the plus strand (G>T on the coding strand, the complement: CDON is on the minus strand). VCF-style: chr11-125989636-C-A. GRCh37 (hg19) VCF-style: chr11-125859531-C-A.
Other names: c.2773+1G>T (NM_001441166.1, NM_016952.6, NM_001243597.3 and 5 more transcripts).
Identifiers: ClinVar variation 4088030 (VCV004088030.1).

ClinVar aggregate classification (germline): Uncertain significance (1 of 4 stars; one submission).

gnomAD v4.1: 1 of 1,612,508 alleles (0.000062%); highest among the groups gnomAD compares: Non-Finnish European, 0.000085%; no homozygotes.

Submission:

GeneDx
Classification: Uncertain significance. Last evaluated: 2025-03-26. Review status: criteria provided, single submitter. Criteria: GeneDx Variant Classification Process June 2021. Collection method: clinical testing. Allele origin: germline. Affected: yes.
Comment: Not observed at significant frequency in large population cohorts (gnomAD); Canonical splice site variant with an unclear effect on protein function; Has not been previously published as pathogenic or benign to our knowledge